The following is an entry in ClinVar:

NM_207361.6(FREM2):c.1369C>G (p.Leu457Val)

Gene: FREM2 (FRAS1 related extracellular matrix 2; plus strand). Cytogenetic location: 13q13.3.
Variant type: single nucleotide variant.
Coding change: c.1369C>G on transcript NM_207361.6 (MANE Select); coding-DNA position 1369, C replaced by G.
Protein change: p.Leu457Val; replaces leucine 457 with valine.
Molecular consequence: missense variant.
Genome position (GRCh38, 1-based): chr13:38,688,713, C>G. VCF-style: chr13-38688713-C-G. GRCh37 (hg19) VCF-style: chr13-39262850-C-G.
Other names: short protein forms L457V.
Identifiers: ClinVar variation 311945 (VCV000311945.10), dbSNP rs141900626, ClinGen allele CA6954395.

ClinVar aggregate classification (germline): Uncertain significance. Review status: criteria provided, multiple submitters, no conflicts (2 of 4 stars). 4 submissions from 4 submitters: Uncertain significance (4). Last evaluated 2025-10-02.

Conditions:
Fraser syndrome 2 (FRASRS2). Identifiers: MedGen C4540036, MONDO:0054738, OMIM 617666.
Isolated cryptophthalmia. Also called: Cryptophthalmos, unilateral or bilateral, isolated; ANKYLOBLEPHARON, SIMPLE. Identifiers: Orphanet 91396, MedGen C1852453, MONDO:0007410, OMIM 123570.
Inborn genetic diseases. Identifiers: MedGen C0950123, MeSH D030342.

Allele frequency attached by ClinVar (database versions not stated): gnomAD 0.00013; TOPMed 0.00015; ExAC 0.00017; ESP Exome Variant Server 0.00023.
gnomAD v4.1: 224 of 1,614,046 alleles (0.014%); highest among the groups gnomAD compares: Middle Eastern, 0.15%; no homozygotes.

Submissions (4):

Ambry Genetics
Classification: Uncertain significance for Inborn genetic diseases. Last evaluated: 2025-10-02. Review status: criteria provided, single submitter. Criteria: Ambry Variant Classification Scheme 2023. Collection method: clinical testing. Allele origin: germline.

Fulgent Genetics
Classification: Uncertain significance for Isolated cryptophthalmia; Fraser syndrome 2. Last evaluated: 2024-02-22. Review status: criteria provided, single submitter. Criteria: ACMG Guidelines, 2015. Collection method: clinical testing. Allele origin: germline.

GeneDx
Classification: Uncertain significance. Last evaluated: 2020-10-13. Review status: criteria provided, single submitter. Criteria: GeneDx Variant Classification Process June 2021. Collection method: clinical testing. Allele origin: germline. Affected: yes.
Comment: In silico analysis supports that this missense variant does not alter protein structure/function; Has not been previously published as pathogenic or benign to our knowledge

Illumina Laboratory Services, Illumina
Classification: Uncertain significance for Fraser syndrome 2. Last evaluated: 2018-01-13. Review status: criteria provided, single submitter. Criteria: ICSL Variant Classification Criteria 13 December 2019. Collection method: clinical testing. Allele origin: germline.